The following is an entry in ClinVar:

ClinVar aggregate classification (germline): Uncertain significance. Review status: criteria provided, multiple submitters, no conflicts (2 of 4 stars). 5 submissions from 5 submitters: Uncertain significance (5). Last evaluated 2025-09-14.

Conditions:
Cardiac arrhythmia. Also called: Arrhythmia; Cardiac rhythm disease. Identifiers: MedGen C0003811, MONDO:0007263, HP:0011675.
Cardiovascular phenotype. Identifiers: MedGen CN230736.
Long QT syndrome (LQTS). Identifiers: MedGen C0023976, MeSH D008133, MONDO:0002442. Disease mechanism: loss of function. Inheritance: Various modes of inheritance.

Allele frequency attached by ClinVar (database versions not stated): gnomAD 0.00001; ExAC 0.00002; gnomAD exomes 0.00002; TOPMed 0.00003; ESP Exome Variant Server 0.00008.
gnomAD v4.1: 37 of 1,613,852 alleles (0.0023%); highest among the groups gnomAD compares: Non-Finnish European, 0.0027%; no homozygotes.

Submissions (5):

Labcorp Genetics (formerly Invitae), Labcorp
Classification: Uncertain significance for Long QT syndrome. Last evaluated: 2025-09-14. Review status: criteria provided, single submitter. Criteria: Invitae Variant Classification Sherloc (09022015). Collection method: clinical testing. Allele origin: germline.
Comment: This sequence change replaces arginine, which is basic and polar, with glutamine, which is neutral and polar, at codon 397 of the KCNQ1 protein (p.Arg397Gln). This variant is present in population databases (rs374090960, gnomAD 0.004%). This missense change has been observed in individual(s) with clinical features of long QT syndrome (PMID: 25616976, 27920829, 34319147, 36136372). This variant is also known as c.809G>A (p.Arg270Gln). ClinVar contains an entry for this variant (Variation ID: 372649). Invitae Evidence Modeling of protein sequence and biophysical properties (such as structural, functional, and spatial information, amino acid conservation, physicochemical variation, residue mobility, and thermodynamic stability) indicates that this missense variant is not expected to disrupt KCNQ1 protein function with a negative predictive value of 95%. Experimental studies have shown that this missense change affects KCNQ1 function (PMID: 25616976). In summary, the available evidence is currently insufficient to determine the role of this variant in disease. Therefore, it has been classified as a Variant of Uncertain Significance.

All of Us Research Program, National Institutes of Health
Classification: Uncertain significance for Long QT syndrome. Last evaluated: 2024-08-13. Review status: criteria provided, single submitter. Criteria: ACMG Guidelines, 2015. Collection method: clinical testing. Allele origin: germline. Inheritance: Autosomal dominant inheritance. Observed: 3 variant alleles, 3 heterozygotes.
Comment: This missense variant replaces arginine with glutamine at codon 397 of the KCNQ1 protein. Computational prediction is inconclusive regarding the impact of this variant on protein structure and function (internally defined REVEL score threshold 0.5 < inconclusive < 0.7, PMID: 27666373). A functional study has shown that this variant causes a reduction of channel current and impaired trafficking in transfected HEK293 cells (PMID: 25616976). This variant has been reported in an individual suspected of having long QT syndrome (PMID: 28749187) and in two individuals affected with dilated cardiomyopathy and ventricular tachycardia (PMID: 25616976, 27920829). This variant has been identified in 4/251362 chromosomes in the general population by the Genome Aggregation Database (gnomAD). The available evidence is insufficient to determine the role of this variant in disease conclusively. Therefore, this variant is classified as a Variant of Uncertain Significance.

This study involves interpretation of variants in research participants for the purpose of population health screening. Participant phenotype was not available at the time of variant classification. Additional details can be found in publication PMID: 35346344, PMCID: PMC8962531

Ambry Genetics
Classification: Uncertain significance for Cardiovascular phenotype. Last evaluated: 2024-08-05. Review status: criteria provided, single submitter. Criteria: Ambry Variant Classification Scheme 2023. Collection method: clinical testing. Allele origin: germline.
Comment: The p.R397Q variant (also known as c.1190G>A), located in coding exon 9 of the KCNQ1 gene, results from a G to A substitution at nucleotide position 1190. The arginine at codon 397 is replaced by glutamine, an amino acid with highly similar properties. This variant was initially reported in an individual with dilated cardiomyopathy and ventricular tachycardia (Xiong Q et al. J Am Heart Assoc, 2015 Jan;4:e001526). This variant has also been described in a long QT syndrome study, where it was detected in a deceased proband and in three family members with prolonged QTc values; the p.R397Q variant was also reported in a sudden death case with limited details (Burns C et al. J Arrhythm, 2016 Dec;32:456-461; Bates K et al. Genet Med, 2019 06;21:1452-1456). This amino acid position is well conserved in available vertebrate species. In addition, this alteration is predicted to be deleterious by in silico analysis. Since supporting evidence is limited at this time, the clinical significance of this alteration remains unclear.

Color Diagnostics, LLC DBA Color Health
Classification: Uncertain significance for Cardiac arrhythmia. Last evaluated: 2024-07-31. Review status: criteria provided, single submitter. Criteria: ACMG Guidelines, 2015. Collection method: clinical testing. Allele origin: germline.
Comment: This missense variant replaces arginine with glutamine at codon 397 of the KCNQ1 protein. Computational prediction is inconclusive regarding the impact of this variant on protein structure and function. A functional study has shown that this variant causes a reduction of channel current and impaired protein trafficking in transfected HEK293 cells (PMID: 25616976). This variant has been reported in an individual suspected of having long QT syndrome (PMID: 28749187) and in two individuals affected with dilated cardiomyopathy and ventricular tachycardia (PMID: 25616976, 27920829). This variant has been identified in 4/251362 chromosomes in the general population by the Genome Aggregation Database (gnomAD). The available evidence is insufficient to determine the role of this variant in disease conclusively. Therefore, this variant is classified as a Variant of Uncertain Significance.

GeneDx
Classification: Uncertain significance. Last evaluated: 2022-09-06. Review status: criteria provided, single submitter. Criteria: GeneDx Variant Classification Process June 2021. Collection method: clinical testing. Allele origin: germline. Affected: yes.
Comment: Reported in association with dilated cardiomyopathy, ventricular tachycardia and sudden death (Bagnall et al., 2014; Xiong et al., 2015; Coto et al., 2017); Published functional studies suggest a damaging effect as this variant results in altered channel current and reduced protein localization to the cell membrane compared to wild-type (Xiong et al., 2015); Not observed at significant frequency in large population cohorts (gnomAD); In silico analysis supports that this missense variant does not alter protein structure/function; This variant is associated with the following publications: (PMID: 28249770, 28749187, 24440382, 27153395, 28469493, 25616976, 34319147, 34135346)

Literature cited by the submitters: PubMed 25616976 (cited by 4 submitters); PubMed 27920829 (cited by 4 submitters); PubMed 34319147 (cited by Labcorp Genetics (formerly Invitae), Labcorp and Ambry Genetics); PubMed 36136372 (cited by Labcorp Genetics (formerly Invitae), Labcorp); PubMed 28749187 (cited by All of Us Research Program, National Institutes of Health and Color Diagnostics, LLC DBA Color Health); PubMed 24440382 (cited by Ambry Genetics); PubMed 30327538 (cited by Ambry Genetics); PubMed 31078652 (cited by Ambry Genetics); PubMed 34135346 (cited by Ambry Genetics).

NM_000218.3(KCNQ1):c.1190G>A (p.Arg397Gln)

Gene: KCNQ1 (potassium voltage-gated channel subfamily Q member 1; plus strand). Cytogenetic location: 11p15.5.
Variant type: single nucleotide variant.
Coding change: c.1190G>A on transcript NM_000218.3 (MANE Select); coding-DNA position 1190, G replaced by A.
Protein change: p.Arg397Gln; replaces arginine 397 with glutamine.
Molecular consequence: missense variant.
Genome position (GRCh38, 1-based): chr11:2,587,631, G>A. VCF-style: chr11-2587631-G-A. GRCh37 (hg19) VCF-style: chr11-2608861-G-A.
Other names: c.1094G>A, p.Arg365Gln (NM_001406836.1); c.920G>A, p.Arg307Gln (NM_001406837.1); c.650G>A, p.Arg217Gln (NM_001406838.1); c.809G>A, p.Arg270Gln (NM_181798.2); short protein forms R270Q, R397Q, R217Q, R307Q, R365Q.
Identifiers: ClinVar variation 372649 (VCV000372649.17), dbSNP rs374090960, ClinGen allele CA027643.